The following is an entry in ClinVar:

NM_002156.5(HSPD1):c.-2-20C>T

Gene: HSPD1 (heat shock protein family D (Hsp60) member 1; minus strand). Cytogenetic location: 2q33.1.
Variant type: single nucleotide variant.
Coding change: c.-2-20C>T on transcript NM_002156.5 (MANE Select); 20 bases into the intron before 2 bases upstream of the start codon, C replaced by T.
Molecular consequence: intron variant.
Genome position (GRCh38, 1-based): chr2:197,498,870, G>A on the plus strand (C>T on the coding strand, the complement: HSPD1 is on the minus strand). VCF-style: chr2-197498870-G-A. GRCh37 (hg19) VCF-style: chr2-198363594-G-A.
Other names: c.-2-20C>T (NM_199440.2).
Identifiers: ClinVar variation 137564 (VCV000137564.2), dbSNP rs375104586, ClinGen allele CA291198.

ClinVar aggregate classification (germline): Benign. Review status: criteria provided, multiple submitters, no conflicts (2 of 4 stars). 2 submissions from 2 submitters: Benign (2). Last evaluated 2014-02-03.

Allele frequency attached by ClinVar (database versions not stated): 1000 Genomes Project 30x 0.00172; 1000 Genomes Project 0.00180; ESP Exome Variant Server 0.00200; TOPMed 0.00264.
gnomAD v4.1: 748 of 1,612,486 alleles (0.046%); highest among the groups gnomAD compares: African/African-American, 0.79%; 2 homozygotes.

Submissions (2):

GeneDx
Classification: Benign. Last evaluated: 2014-02-03. Review status: criteria provided, single submitter. Criteria: GeneDx Variant Classification (06012015). Collection method: clinical testing. Allele origin: germline. Affected: yes.
Comment: This variant is considered likely benign or benign based on one or more of the following criteria: it is a conservative change, it occurs at a poorly conserved position in the protein, it is predicted to be benign by multiple in silico algorithms, and/or has population frequency not consistent with disease.

Breakthrough Genomics
Classification: Benign. Review status: criteria provided, single submitter. Criteria: ACMG Guidelines, 2015. Collection method: not provided. Allele origin: germline. Inheritance: Autosomal recessive inheritance. Affected: yes.